The following is an entry in ClinVar:

ClinVar aggregate classification (germline): Likely benign (1 of 4 stars; one submission).

Submission:

CeGaT Center for Human Genetics Tuebingen
Classification: Likely benign. Last evaluated: 2023-06-01. Review status: criteria provided, single submitter. Criteria: CeGaT Center For Human Genetics Tuebingen Variant Classification Criteria Version 2. Collection method: clinical testing. Allele origin: germline. Affected: yes. Observed: 1 variant allele.
Comment: CACNA1B: PM2:Supporting, BP4, BP7

NM_000718.4(CACNA1B):c.273C>A (p.Ile91=)

Genes: CACNA1B (calcium voltage-gated channel subunit alpha1 B; plus strand), CACNA1B-AS2 (CACNA1B antisense RNA 2; minus strand). Cytogenetic location: 9q34.3.
Variant type: single nucleotide variant.
Coding change: c.273C>A on transcript NM_000718.4 (MANE Select); coding-DNA position 273, C replaced by A.
Protein change: p.Ile91=; no amino-acid change (isoleucine 91 retained).
Molecular consequence: synonymous variant.
Genome position (GRCh38, 1-based): chr9:137,878,206, C>A. VCF-style: chr9-137878206-C-A. GRCh37 (hg19) VCF-style: chr9-140772658-C-A.
Other names: c.273C>A, p.Ile91= (NM_001243812.2).
Identifiers: ClinVar variation 2659846 (VCV002659846.24), dbSNP rs1239039022, ClinGen allele CA468161339.